The following is an entry in ClinVar:

ClinVar aggregate classification (germline): Uncertain significance. Review status: criteria provided, multiple submitters, no conflicts (2 of 4 stars). 10 submissions from 10 submitters: Uncertain significance (9). 1 of the submissions does not count toward it. Last evaluated 2026-09-18.

Conditions:
Tyrosinemia type I (TYRSN1). Also called: Tyrosinemia type 1; Fumarylacetoacetase deficiency; Deficiency of fumarylacetoacetase; FAH DEFICIENCY; HEPATORENAL TYROSINEMIA. Identifiers: Orphanet 882, MedGen C0268490, MONDO:0010161, OMIM 276700. Disease mechanism: loss of function.
FAH-related disorder. Also called: FAH-related condition.

Allele frequency attached by ClinVar (database versions not stated): ESP Exome Variant Server 0.00008; gnomAD 0.00008 and 0.00010; ExAC 0.00009; gnomAD exomes 0.00009 and 0.00010; TOPMed 0.00009.
gnomAD v4.1: 150 of 1,613,976 alleles (0.0093%); highest among the groups gnomAD compares: Middle Eastern, 0.23%; 1 homozygote.

Submissions (10):

PreventionGenetics, part of Exact Sciences
Classification: Uncertain significance for FAH-related condition. Last evaluated: 2026-09-18. Review status: criteria provided, single submitter. Criteria: ACMG Guidelines, 2015. Collection method: clinical testing. Allele origin: germline.
Comment: The FAH c.841C>A variant is predicted to result in the amino acid substitution p.Pro281Thr. This variant has been reported in the homozygous state in two related individuals presenting with hereditary tyrosinemia, type 1 and confirmed biochemically by the presence of succinylacetone in dried blood spot analyses (Rehsi et al. 2024. PubMed ID: 38974614). This variant is reported in 0.017% of alleles in individuals of Latino descent in gnomAD. Although we suspect this variant may be pathogenic, at this time, the clinical significance of this variant is uncertain due to the absence of conclusive functional and genetic evidence.

CeGaT Center for Human Genetics Tuebingen
Classification: Uncertain significance. Last evaluated: 2025-04-01. Review status: criteria provided, single submitter. Criteria: CeGaT Center For Human Genetics Tuebingen Variant Classification Criteria Version 2. Collection method: clinical testing. Allele origin: germline. Affected: yes. Observed: 1 variant allele.
Comment: FAH: PM2:Supporting

3billion
Classification: Uncertain significance for Tyrosinemia type I. Last evaluated: 2025-03-07. Review status: criteria provided, single submitter. Criteria: ACMG Guidelines, 2015. Collection method: clinical testing. Allele origin: germline. Affected: yes.
Comment: The variant is observed at an extremely low frequency in the gnomAD v4.1.0 dataset (total allele frequency: 0.009%). Predicted Consequence/Location: Missense variant In silico tool predictions suggest damaging effect of the variant on gene or gene product [REVEL: 0.86 (>=0.6, sensitivity 0.68 and specificity 0.92); 3Cnet: 0.87 (> 0.75, sensitivity 0.96 and precision 0.92)]. The variant has been reported as of uncertain significance (ClinVar ID: VCV000317214). Different missense changes at the same codon have been reported as of uncertain significance (ClinVar ID: VCV003351727). Therefore, this variant is classified as VUS according to the recommendation of ACMG/AMP guideline.

Blueprint Genetics
Classification: Uncertain significance. Last evaluated: 2024-11-27. Review status: criteria provided, single submitter. Criteria: ACMG Guidelines, 2015. Collection method: clinical testing. Allele origin: germline.

Fulgent Genetics
Classification: Uncertain significance for Tyrosinemia type I. Last evaluated: 2024-05-28. Review status: criteria provided, single submitter. Criteria: ACMG Guidelines, 2015. Collection method: clinical testing. Allele origin: germline.

Labcorp Genetics (formerly Invitae), Labcorp
Classification: Uncertain significance for Tyrosinemia type I. Last evaluated: 2022-10-17. Review status: criteria provided, single submitter. Criteria: Invitae Variant Classification Sherloc (09022015). Collection method: clinical testing. Allele origin: germline.
Comment: This sequence change replaces proline, which is neutral and non-polar, with threonine, which is neutral and polar, at codon 281 of the FAH protein (p.Pro281Thr). This variant is present in population databases (rs199820704, gnomAD 0.02%), including at least one homozygous and/or hemizygous individual. This missense change has been observed in individual(s) with clinical features of FAH-related conditions (Invitae). ClinVar contains an entry for this variant (Variation ID: 317214). Advanced modeling of protein sequence and biophysical properties (such as structural, functional, and spatial information, amino acid conservation, physicochemical variation, residue mobility, and thermodynamic stability) performed at Invitae indicates that this missense variant is not expected to disrupt FAH protein function. In summary, the available evidence is currently insufficient to determine the role of this variant in disease. Therefore, it has been classified as a Variant of Uncertain Significance.

Illumina Laboratory Services, Illumina
Classification: Uncertain significance for Tyrosinemia type I. Last evaluated: 2018-01-13. Review status: criteria provided, single submitter. Criteria: ICSL Variant Classification Criteria 13 December 2019. Collection method: clinical testing. Allele origin: germline.

Eurofins Ntd Llc (ga)
Classification: Uncertain significance. Last evaluated: 2017-11-29. Review status: criteria provided, single submitter. Criteria: EGL Classification Definitions 2015. Collection method: clinical testing. Allele origin: germline. Observed: 1 variant allele, 1 heterozygote.

Breakthrough Genomics
Classification: Uncertain significance. Review status: criteria provided, single submitter. Criteria: ACMG Guidelines, 2015. Collection method: not provided. Allele origin: germline. Inheritance: Autosomal recessive inheritance. Affected: yes.

Natera, Inc.
Classification: Uncertain significance for Tyrosinemia type I. Last evaluated: 2018-06-24. Review status: no assertion criteria provided. Collection method: clinical testing. Allele origin: germline. Not counted in ClinVar's aggregate classification.

NM_000137.4(FAH):c.841C>A (p.Pro281Thr)

Gene: FAH (fumarylacetoacetate hydrolase; plus strand). Cytogenetic location: 15q25.1.
Variant type: single nucleotide variant.
Coding change: c.841C>A on transcript NM_000137.4 (MANE Select); coding-DNA position 841, C replaced by A.
Protein change: p.Pro281Thr; replaces proline 281 with threonine.
Molecular consequence: missense variant.
Genome position (GRCh38, 1-based): chr15:80,175,019, C>A. VCF-style: chr15-80175019-C-A. GRCh37 (hg19) VCF-style: chr15-80467361-C-A.
Other names: c.841C>A, p.Pro281Thr (NM_001374377.1, NM_001374380.1); short protein forms P281T.
Identifiers: ClinVar variation 317214 (VCV000317214.25), dbSNP rs199820704, ClinGen allele CA7691373.